The following is an entry in ClinVar:

ClinVar aggregate classification (germline): Uncertain significance. Review status: criteria provided, multiple submitters, no conflicts (2 of 4 stars). 3 submissions from 3 submitters: Uncertain significance (3). Last evaluated 2025-01-06.

Conditions:
Hereditary cancer-predisposing syndrome. Also called: Neoplastic Syndromes, Hereditary; Tumor predisposition; Hereditary Cancer Syndrome; Hereditary neoplastic syndrome. Identifiers: Orphanet 140162, MedGen C0027672, MeSH D009386, MONDO:0015356.
Breast-ovarian cancer, familial, susceptibility to, 1 (BROVCA1). Also called: BRCA1 Hereditary Breast and Ovarian Cancer; OVARIAN CANCER, SUSCEPTIBILITY TO. Identifiers: Orphanet 145, MedGen C2676676, MONDO:0011450, OMIM 604370. Disease mechanism: loss of function.
Fanconi anemia, complementation group S (FANCS). Identifiers: MedGen C4554406, MONDO:0054748, OMIM 617883.
Pancreatic cancer, susceptibility to, 4. Identifiers: Orphanet 1333, MedGen C3280442, MONDO:0013685, OMIM 614320.

Submissions (3):

Ambry Genetics
Classification: Uncertain significance for Hereditary cancer-predisposing syndrome. Last evaluated: 2025-01-06. Review status: criteria provided, single submitter. Criteria: Ambry Variant Classification Scheme 2023. Collection method: clinical testing. Allele origin: germline.
Comment: The p.C1501F variant (also known as c.4502G>T), located in coding exon 13 of the BRCA1 gene, results from a G to T substitution at nucleotide position 4502. The cysteine at codon 1501 is replaced by phenylalanine, an amino acid with highly dissimilar properties. This amino acid position is conserved. In addition, the in silico prediction for this alteration is inconclusive. Based on the available evidence, the clinical significance of this variant remains unclear.

Fulgent Genetics
Classification: Uncertain significance for Breast-ovarian cancer, familial, susceptibility to, 1; Pancreatic cancer, susceptibility to, 4; Fanconi anemia, complementation group S. Last evaluated: 2024-02-28. Review status: criteria provided, single submitter. Criteria: ACMG Guidelines, 2015. Collection method: clinical testing. Allele origin: germline.

Color Diagnostics, LLC DBA Color Health
Classification: Uncertain significance for Hereditary cancer-predisposing syndrome. Last evaluated: 2023-08-15. Review status: criteria provided, single submitter. Criteria: ACMG Guidelines, 2015. Collection method: clinical testing. Allele origin: germline.
Comment: This missense variant replaces cysteine with phenylalanine at codon 1501 of the BRCA1 protein. Computational prediction is inconclusive regarding the impact of this variant on protein structure and function (internally defined REVEL score threshold 0.5 < inconclusive < 0.7, PMID: 27666373). To our knowledge, functional studies have not been reported for this variant. This variant has not been reported in individuals affected with BRCA1-related disorders in the literature. This variant has not been identified in the general population by the Genome Aggregation Database (gnomAD). The available evidence is insufficient to determine the role of this variant in disease conclusively. Therefore, this variant is classified as a Variant of Uncertain Significance.

NM_007294.4(BRCA1):c.4502G>T (p.Cys1501Phe)

Gene: BRCA1 (BRCA1 DNA repair associated; minus strand). Cytogenetic location: 17q21.31.
Variant type: single nucleotide variant.
Coding change: c.4502G>T on transcript NM_007294.4 (MANE Select); coding-DNA position 4502, G replaced by T.
Protein change: p.Cys1501Phe; replaces cysteine 1501 with phenylalanine.
Molecular consequence: missense variant. On other transcripts: intron variant (3).
Genome position (GRCh38, 1-based): chr17:43,074,504, C>A on the plus strand (G>T on the coding strand, the complement: BRCA1 is on the minus strand). VCF-style: chr17-43074504-C-A. GRCh37 (hg19) VCF-style: chr17-41226521-C-A.
Other names: c.1190G>T, p.Cys397Phe (NM_001407983.1, NM_001407984.1, NM_001407985.1 and 12 more transcripts); c.1187G>T, p.Cys396Phe (NM_001408392.1, NM_001408396.1, NM_001408473.1 and 8 more transcripts); c.1184G>T, p.Cys395Phe (NM_001408407.1, NM_001408408.1, NM_001408406.1); c.1181G>T, p.Cys394Phe (NM_001408409.1); c.1118G>T, p.Cys373Phe (NM_001408410.1); c.1115G>T, p.Cys372Phe (NM_001408411.1); c.1112G>T, p.Cys371Phe (NM_001408412.1, NM_001408413.1, NM_001408414.1 and 2 more transcripts); c.1070G>T, p.Cys357Phe (NM_001408427.1, NM_001408428.1, NM_001408429.1 and 4 more transcripts); and 71 more; short protein forms C1373F, C1390F, C1431F, C1453F, C1457F, C1458F, C1473F, C1475F.
Identifiers: ClinVar variation 3582081 (VCV003582081.3).